The following is an entry in ClinVar:

NM_005157.6(ABL1):c.3047G>T (p.Arg1016Leu)

Gene: ABL1 (ABL proto-oncogene 1, non-receptor tyrosine kinase; plus strand). Cytogenetic location: 9q34.12.
Variant type: single nucleotide variant.
Coding change: c.3047G>T on transcript NM_005157.6 (MANE Select); coding-DNA position 3047, G replaced by T.
Protein change: p.Arg1016Leu; replaces arginine 1016 with leucine.
Molecular consequence: missense variant.
Genome position (GRCh38, 1-based): chr9:130,885,337, G>T. VCF-style: chr9-130885337-G-T. GRCh37 (hg19) VCF-style: chr9-133760724-G-T.
Other names: c.3104G>T, p.Arg1035Leu (NM_007313.3); short protein forms R1016L, R1035L.
Identifiers: ClinVar variation 3337778 (VCV003337778.2).
Genomic context (GRCh38, chr9:130,885,337, plus strand): 5'-AGCCGTCTTCCACCGCCTTCATCCCTCTCATATCAACCCGAGTGTCTCTTCGGAAAACCC[G>T]CCAGCCTCCAGAGCGGATCGCCAGCGGCGCCATCACCAAGGGCGTGGTCCTGGACAGCAC-3'
Protein context (NP_005148.2, residues 1006-1026): ISTRVSLRKT[Arg1016Leu]QPPERIASGA

ClinVar aggregate classification (germline): Uncertain significance. Review status: criteria provided, multiple submitters, no conflicts (2 of 4 stars). 2 submissions from 2 submitters: Uncertain significance (2). Last evaluated 2025-02-06.

gnomAD v4.1: 3 of 1,613,526 alleles (0.00019%); highest among the groups gnomAD compares: African/African-American, 0.0013%; no homozygotes.

Submissions (2):

Labcorp Genetics (formerly Invitae), Labcorp
Classification: Uncertain significance. Last evaluated: 2025-02-06. Review status: criteria provided, single submitter. Criteria: Invitae Variant Classification Sherloc (09022015). Collection method: clinical testing. Allele origin: germline.
Comment: This sequence change replaces arginine, which is basic and polar, with leucine, which is neutral and non-polar, at codon 1035 of the ABL1 protein (p.Arg1035Leu). This variant is present in population databases (rs778935845, gnomAD 0.0009%). This variant has not been reported in the literature in individuals affected with ABL1-related conditions. ClinVar contains an entry for this variant (Variation ID: 3337778). An algorithm developed to predict the effect of missense changes on protein structure and function (PolyPhen-2) suggests that this variant is likely to be disruptive. In summary, the available evidence is currently insufficient to determine the role of this variant in disease. Therefore, it has been classified as a Variant of Uncertain Significance.

Clinical Genetics Laboratory, Skane University Hospital Lund
Classification: Uncertain significance. Last evaluated: 2022-05-27. Review status: criteria provided, single submitter. Criteria: ACMG Guidelines, 2015. Collection method: clinical testing. Allele origin: germline. Affected: yes.